The following is an entry in ClinVar:

ClinVar aggregate classification (germline): Conflicting classifications of pathogenicity. Review status: criteria provided, conflicting classifications (1 of 4 stars). 2 submissions from 2 submitters: Uncertain significance (1); Likely benign (1). Last evaluated 2025-10-21.

Conditions:
Wiskott-Aldrich syndrome 2 (WAS2). Also called: WIPF1 DEFICIENCY. Identifiers: Orphanet 906, MedGen C3281001, MONDO:0013779, OMIM 614493.

Allele frequency attached by ClinVar (database versions not stated): gnomAD exomes 0.00003 and 0.00007; ExAC 0.00007; TOPMed 0.00023; gnomAD 0.00024 and 0.00027.
gnomAD v4.1: 89 of 1,614,108 alleles (0.0055%); highest among the groups gnomAD compares: African/African-American, 0.084%; no homozygotes.

Submissions (2):

Labcorp Genetics (formerly Invitae), Labcorp
Classification: Likely benign for Wiskott-Aldrich syndrome 2. Last evaluated: 2025-10-21. Review status: criteria provided, single submitter. Criteria: Invitae Variant Classification Sherloc (09022015). Collection method: clinical testing. Allele origin: germline.

Center for Genomics, Ann and Robert H. Lurie Children's Hospital of Chicago
Classification: Uncertain significance for Wiskott-Aldrich syndrome 2. Last evaluated: 2022-10-05. Review status: criteria provided, single submitter. Criteria: ACMG Guidelines, 2015. Collection method: clinical testing. Allele origin: germline.
Comment: This variant has not been reported in the literature but is present in the Genome Aggregation Database (Highest reported MAF 0.09% (36/41452). This variant is present in ClinVar (Variation ID:540145). Evolutionary conservation and computational predictive tools for this variant are limited or unavailable. Of note, this variant is a silent variant and does not change the amino acid, reducing the probability that this variant is disease causing. In summary, data on this variant is insufficient for disease classification. Therefore, the clinical significance of this variant is uncertain.

NM_001375834.1(WIPF1):c.1380C>T (p.Ser460=)

Gene: WIPF1 (WAS/WASL interacting protein family member 1; minus strand). Cytogenetic location: 2q31.1.
Variant type: single nucleotide variant.
Coding change: c.1380C>T on transcript NM_001375834.1 (MANE Select); coding-DNA position 1380, C replaced by T.
Protein change: p.Ser460=; no amino-acid change (serine 460 retained).
Molecular consequence: synonymous variant.
Genome position (GRCh38, 1-based): chr2:174,567,146, G>A on the plus strand (C>T on the coding strand, the complement: WIPF1 is on the minus strand). VCF-style: chr2-174567146-G-A. GRCh37 (hg19) VCF-style: chr2-175431874-G-A.
Other names: c.1380C>T, p.Ser460= (NM_001077269.1, NM_001375832.1, NM_001375833.1 and 2 more transcripts); c.1002C>T, p.Ser334= (NM_001375839.1).
Identifiers: ClinVar variation 540145 (VCV000540145.12), dbSNP rs753915750, ClinGen allele CA1973913.